The following is an entry in ClinVar:

ClinVar aggregate classification (germline): Uncertain significance (1 of 4 stars; one submission).

Allele frequency attached by ClinVar (database versions not stated): gnomAD 0.00001.
gnomAD v4.1: 2 of 1,545,098 alleles (0.00013%); highest among the groups gnomAD compares: African/African-American, 0.0014%; no homozygotes.

Submission:

Labcorp Genetics (formerly Invitae), Labcorp
Classification: Uncertain significance. Last evaluated: 2022-08-09. Review status: criteria provided, single submitter. Criteria: Invitae Variant Classification Sherloc (09022015). Collection method: clinical testing. Allele origin: germline.
Comment: This sequence change replaces proline, which is neutral and non-polar, with leucine, which is neutral and non-polar, at codon 2159 of the EYS protein (p.Pro2159Leu). This variant is present in population databases (no rsID available, gnomAD 0.007%). This missense change has been observed in individual(s) with retinitis pigmentosa (Invitae). ClinVar contains an entry for this variant (Variation ID: 1500751). Algorithms developed to predict the effect of missense changes on protein structure and function output the following: SIFT: "Deleterious"; PolyPhen-2: "Benign"; Align-GVGD: "Class C35". The leucine amino acid residue is found in multiple mammalian species, which suggests that this missense change does not adversely affect protein function. In summary, the available evidence is currently insufficient to determine the role of this variant in disease. Therefore, it has been classified as a Variant of Uncertain Significance.

NM_001142800.2(EYS):c.6476C>T (p.Pro2159Leu)

Gene: EYS (eyes shut homolog; minus strand). Cytogenetic location: 6q12.
Variant type: single nucleotide variant.
Coding change: c.6476C>T on transcript NM_001142800.2 (MANE Select); coding-DNA position 6476, C replaced by T.
Protein change: p.Pro2159Leu; replaces proline 2159 with leucine.
Molecular consequence: missense variant.
Genome position (GRCh38, 1-based): chr6:64,081,951, G>A on the plus strand (C>T on the coding strand, the complement: EYS is on the minus strand). VCF-style: chr6-64081951-G-A. GRCh37 (hg19) VCF-style: chr6-64791844-G-A.
Other names: c.6476C>T, p.Pro2159Leu (NM_001292009.2); short protein forms P2159L.
Identifiers: ClinVar variation 1500751 (VCV001500751.5), dbSNP rs1033509618, ClinGen allele CA140278475.